The following is an entry in ClinVar:

NM_198215.4(FAM13C):c.1427T>A (p.Leu476His)

Gene: FAM13C (family with sequence similarity 13 member C; minus strand). Cytogenetic location: 10q21.1.
Variant type: single nucleotide variant.
Coding change: c.1427T>A on transcript NM_198215.4 (MANE Select); coding-DNA position 1427, T replaced by A.
Protein change: p.Leu476His; replaces leucine 476 with histidine.
Molecular consequence: missense variant.
Genome position (GRCh38, 1-based): chr10:59,252,904, A>T on the plus strand (T>A on the coding strand, the complement: FAM13C is on the minus strand). VCF-style: chr10-59252904-A-T. GRCh37 (hg19) VCF-style: chr10-61012664-A-T.
Other names: c.1178T>A, p.Leu393His (NM_001143773.1, NM_001347840.2, NM_001347846.1 and 2 more transcripts); c.1133T>A, p.Leu378His (NM_001001971.3); c.1175T>A, p.Leu392His (NM_001166698.2, NM_001347842.2, NM_001347844.1); c.857T>A, p.Leu286His (NM_001347843.1); c.881T>A, p.Leu294His (NM_001347845.1); c.1148T>A, p.Leu383His (NM_001347848.1, NM_001347850.2); c.1424T>A, p.Leu475His (NM_001347849.2); c.1427T>A, p.Leu476His (NM_001347852.2); short protein forms L393H, L476H, L286H, L378H, L383H, L475H, L294H, L392H.
Identifiers: ClinVar variation 161530 (VCV000161530.2), dbSNP rs193920897, ClinGen allele CA174274.

ClinVar aggregate classification (germline): Uncertain significance (0 of 4 stars; one submission).

Conditions:
Prostate cancer. Also called: Malignant tumor of prostate. Identifiers: Orphanet 1331, MedGen C0376358, MONDO:0008315, HP:0012125.

Submission:

Science for Life laboratory,  Karolinska Institutet
Classification: Uncertain significance for Malignant tumor of prostate. Review status: no assertion criteria provided. Collection method: not provided. Allele origin: somatic.
Comment: TumorID:SWE-18
ClinVar note: Converted during submission from Unknown to Uncertain significance.